The following is an entry in ClinVar:

NM_001282717.2(STAG3):c.3369_3381del (p.Glu1124fs)

Gene: STAG3 (STAG3 cohesin complex component; plus strand). Cytogenetic location: 7q22.1.
Variant type: Deletion.
Coding change: c.3369_3381del on transcript NM_001282717.2 (MANE Select); coding-DNA positions 3369 to 3381, 13 bases deleted (AGAGATGGAGGAA).
Protein change: p.Glu1124fs; shifts the reading frame from glutamic acid 1124.
Molecular consequence: frameshift variant. On other transcripts: non-coding transcript variant (1).
Genome position (GRCh38, 1-based): chr7:100,211,141-100,211,153, AGAGATGGAGGAA deleted; deleting any 13 consecutive bases within chr7:100,211,138-100,211,153 gives the same sequence; the c. name uses the placement nearest the transcript's 3' end. VCF-style (leftmost placement, unchanged base first): chr7-100211137-TGAAAGAGATGGAG-T. GRCh37 (hg19) VCF-style: chr7-99808760-TGAAAGAGATGGAG-T.
Other names: c.3369_3381del, p.Glu1124fs (NM_001282716.1, NM_001375438.1, NM_012447.4); c.3195_3207del, p.Glu1066fs (NM_001282718.2); short protein forms E1066fs, E1124fs.
Identifiers: ClinVar variation 1709457 (VCV001709457.2), dbSNP rs2485150298, ClinGen allele CA2580075988.
Genomic context (GRCh38, chr7:100,211,137, plus strand): 5'-TCCCGCCCACGCCCACCCTCACCTCCACAGCTGTGAAGAGCAGGCAGCCCCTGTGGGGGT[TGAAAGAGATGGAG>T]GAAGAAGATGGCTCAGAGTTGGATTTTGCCCAGGGGTGAGGCCATGGAGGGAATCTGGGT-3'

ClinVar aggregate classification (germline): Likely pathogenic (1 of 4 stars; one submission).

Conditions:
Premature ovarian failure 8 (POF8). Identifiers: MedGen C3810367, MONDO:0014321, OMIM 615723.

Submission:

MGZ Medical Genetics Center
Classification: Likely pathogenic for Premature ovarian failure 8. Last evaluated: 2022-08-02. Review status: criteria provided, single submitter. Criteria: ACMG Guidelines, 2015. Collection method: clinical testing. Allele origin: germline. Affected: yes. Observed: 1 variant allele.
Comment: ACMG criteria applied: PVS1, PM2_SUP